The following is an entry in ClinVar:

ClinVar aggregate classification (germline): Uncertain significance (1 of 4 stars; one submission).

Conditions:
Inborn genetic diseases. Identifiers: MedGen C0950123, MeSH D030342.

Allele frequency attached by ClinVar (database versions not stated): gnomAD exomes below 0.00001; TOPMed below 0.00001; ExAC 0.00001.
gnomAD v4.1: 7 of 1,613,482 alleles (0.00043%); highest among the groups gnomAD compares: East Asian, 0.0022%; no homozygotes.

Submission:

Ambry Genetics
Classification: Uncertain significance for Inborn genetic diseases. Last evaluated: 2021-01-11. Review status: criteria provided, single submitter. Criteria: Ambry Variant Classification Scheme 2023. Collection method: clinical testing. Allele origin: germline.
Comment: The c.3079-4G>A intronic alteration consists of a G to A substitution 4 nucleotides before exon 27 (coding exon 27) of the AP3D1 gene. In silico splice site analysis predicts that this alteration will not have any significant effect on splicing. Based on insufficient or conflicting evidence, the clinical significance of this alteration remains unclear.

NM_001261826.3(AP3D1):c.3265-4G>A

Gene: AP3D1 (adaptor related protein complex 3 subunit delta 1; minus strand). Cytogenetic location: 19p13.3.
Variant type: single nucleotide variant.
Coding change: c.3265-4G>A on transcript NM_001261826.3 (MANE Select); 4 bases into the intron before coding-DNA position 3265, G replaced by A.
Molecular consequence: intron variant.
Genome position (GRCh38, 1-based): chr19:2,109,962, C>T on the plus strand (G>A on the coding strand, the complement: AP3D1 is on the minus strand). VCF-style: chr19-2109962-C-T. GRCh37 (hg19) VCF-style: chr19-2109961-C-T.
Other names: c.3079-4G>A (NM_003938.8); c.3229-4G>A (NM_001374799.1).
Identifiers: ClinVar variation 2228733 (VCV002228733.2), dbSNP rs750356074, ClinGen allele CA9058458.
Genomic context (GRCh38, chr19:2,109,962, plus strand): 5'-GCTGCAGCTGAAGTGCAGCCTGAAGTCCAGCTTCTCGTGGGTCGCACCCTCGTCATTCTG[C>T]GGTGGAGTGAAGGTGGTGCAGTTGAGAGGGGAGTCGGGCCCAGCTCAGGGCTCAGGGTTC-3'